The following is an entry in ClinVar:

NM_001165967.2(HES7):c.383A>G (p.His128Arg)

Gene: HES7 (hes family bHLH transcription factor 7; minus strand). Cytogenetic location: 17p13.1.
Variant type: single nucleotide variant.
Coding change: c.383A>G on transcript NM_001165967.2 (MANE Select); coding-DNA position 383, A replaced by G.
Protein change: p.His128Arg; replaces histidine 128 with arginine.
Molecular consequence: missense variant.
Genome position (GRCh38, 1-based): chr17:8,121,881, T>C on the plus strand (A>G on the coding strand, the complement: HES7 is on the minus strand). VCF-style: chr17-8121881-T-C. GRCh37 (hg19) VCF-style: chr17-8025199-T-C.
Other names: c.368A>G, p.His123Arg (NM_032580.4); short protein forms H123R, H128R.
Identifiers: ClinVar variation 1909608 (VCV001909608.5), dbSNP rs775485766, ClinGen allele CA8368653.

ClinVar aggregate classification (germline): Uncertain significance (1 of 4 stars; one submission).

Allele frequency attached by ClinVar (database versions not stated): gnomAD exomes below 0.00001; ExAC 0.00001; TOPMed 0.00002.
gnomAD v4.1: 3 of 1,572,426 alleles (0.00019%); highest among the groups gnomAD compares: Admixed American, 0.0035%; no homozygotes.

Submission:

Labcorp Genetics (formerly Invitae), Labcorp
Classification: Uncertain significance. Last evaluated: 2022-06-15. Review status: criteria provided, single submitter. Criteria: Invitae Variant Classification Sherloc (09022015). Collection method: clinical testing. Allele origin: germline.
Comment: In summary, the available evidence is currently insufficient to determine the role of this variant in disease. Therefore, it has been classified as a Variant of Uncertain Significance. Algorithms developed to predict the effect of missense changes on protein structure and function (SIFT, PolyPhen-2, Align-GVGD) all suggest that this variant is likely to be tolerated. This variant has not been reported in the literature in individuals affected with HES7-related conditions. This variant is present in population databases (rs775485766, gnomAD 0.006%). This sequence change replaces histidine, which is basic and polar, with arginine, which is basic and polar, at codon 123 of the HES7 protein (p.His123Arg).